The following is an entry in ClinVar:

ClinVar aggregate classification (germline): Uncertain significance (1 of 4 stars; one submission).

Conditions:
Severe myoclonic epilepsy in infancy (DRVT). Also called: Epileptic encephalopathy, early infantile, 6 (Dravet syndrome); SEVERE MYOCLONIC EPILEPSY OF INFANCY; DEVELOPMENTAL AND EPILEPTIC ENCEPHALOPATHY 6A; Severe Myoclonic Epilepsy in Infancy (SMEI); Dravet syndrome. Identifiers: Orphanet 33069, MedGen C0751122, MONDO:0100135, OMIM 607208.

gnomAD v4.1: 1 of 1,613,554 alleles (0.000062%); highest among the groups gnomAD compares: Middle Eastern, 0.017%; no homozygotes.

Submission:

Labcorp Genetics (formerly Invitae), Labcorp
Classification: Uncertain significance for Severe myoclonic epilepsy in infancy. Last evaluated: 2024-02-26. Review status: criteria provided, single submitter. Criteria: Invitae Variant Classification Sherloc (09022015). Collection method: clinical testing. Allele origin: germline.
Comment: This sequence change replaces tyrosine, which is neutral and polar, with histidine, which is basic and polar, at codon 406 of the SNX27 protein (p.Tyr406His). This variant is not present in population databases (gnomAD no frequency). This variant has not been reported in the literature in individuals affected with SNX27-related conditions. ClinVar contains an entry for this variant (Variation ID: 2187268). An algorithm developed to predict the effect of missense changes on protein structure and function (PolyPhen-2) suggests that this variant is likely to be tolerated. In summary, the available evidence is currently insufficient to determine the role of this variant in disease. Therefore, it has been classified as a Variant of Uncertain Significance.

NM_001330723.2(SNX27):c.1216T>C (p.Tyr406His)

Gene: SNX27 (sorting nexin 27; plus strand). Cytogenetic location: 1q21.3.
Variant type: single nucleotide variant.
Coding change: c.1216T>C on transcript NM_001330723.2 (MANE Select); coding-DNA position 1216, T replaced by C.
Protein change: p.Tyr406His; replaces tyrosine 406 with histidine.
Molecular consequence: missense variant.
Genome position (GRCh38, 1-based): chr1:151,683,422, T>C. VCF-style: chr1-151683422-T-C. GRCh37 (hg19) VCF-style: chr1-151655898-T-C.
Other names: c.1216T>C, p.Tyr406His (NM_030918.6); short protein forms Y406H.
Identifiers: ClinVar variation 2187268 (VCV002187268.4), dbSNP rs1671056194, ClinGen allele CA341969730.